The following is an entry in ClinVar:

ClinVar aggregate classification (germline): Conflicting classifications of pathogenicity. Review status: criteria provided, conflicting classifications (1 of 4 stars). 4 submissions from 4 submitters: Uncertain significance (3); Likely benign (1). Last evaluated 2026-06-15.

Conditions:
Hereditary cancer-predisposing syndrome. Also called: Neoplastic Syndromes, Hereditary; Tumor predisposition; Hereditary Cancer Syndrome; Hereditary neoplastic syndrome. Identifiers: Orphanet 140162, MedGen C0027672, MeSH D009386, MONDO:0015356.
Polyps, multiple and recurrent inflammatory fibroid, gastrointestinal. Identifiers: MedGen C5193005, MONDO:0008285, OMIM 175510.
Gastrointestinal stromal tumor. Also called: Gastrointestinal stromal tumor, somatic; Gastrointestinal stroma tumor. Identifiers: Orphanet 44890, MedGen C0238198, MeSH D046152, MONDO:0011719, OMIM 606764, HP:0100723.

Allele frequency attached by ClinVar (database versions not stated): TOPMed 0.00003; gnomAD exomes 0.00001; gnomAD 0.00002 and 0.00003.
gnomAD v4.1: 13 of 1,611,926 alleles (0.00081%); highest among the groups gnomAD compares: African/African-American, 0.0027%; no homozygotes.

Submissions (4):

Myriad Genetics, Inc.
Classification: Likely benign for Polyps, multiple and recurrent inflammatory fibroid, gastrointestinal. Last evaluated: 2026-06-15. Review status: criteria provided, single submitter. Criteria: Myriad Autosomal Dominant, Autosomal Recessive and X-Linked Classification Criteria (2023). Collection method: clinical testing. Allele origin: unknown.
Comment: This variant is considered likely benign. This variant has been observed at a population frequency that is significantly greater than expected given the associated disease prevalence and penetrance.

Labcorp Genetics (formerly Invitae), Labcorp
Classification: Uncertain significance for Gastrointestinal stromal tumor. Last evaluated: 2025-12-22. Review status: criteria provided, single submitter. Criteria: Invitae Variant Classification Sherloc (09022015). Collection method: clinical testing. Allele origin: germline.
Comment: This sequence change replaces glycine, which is neutral and non-polar, with serine, which is neutral and polar, at codon 898 of the PDGFRA protein (p.Gly898Ser). This variant is present in population databases (no rsID available, gnomAD 0.002%). This variant has not been reported in the literature in individuals affected with PDGFRA-related conditions. ClinVar contains an entry for this variant (Variation ID: 657185). Invitae Evidence Modeling of protein sequence and biophysical properties (such as structural, functional, and spatial information, amino acid conservation, physicochemical variation, residue mobility, and thermodynamic stability) has been performed for this missense variant. However, the output from this modeling did not meet the statistical confidence thresholds required to predict the impact of this variant on PDGFRA protein function. In summary, the available evidence is currently insufficient to determine the role of this variant in disease. Therefore, it has been classified as a Variant of Uncertain Significance.

Ambry Genetics
Classification: Uncertain significance for Hereditary cancer-predisposing syndrome. Last evaluated: 2024-12-11. Review status: criteria provided, single submitter. Criteria: Ambry Variant Classification Scheme 2023. Collection method: clinical testing. Allele origin: germline.
Comment: The p.G898S variant (also known as c.2692G>A), located in coding exon 19 of the PDGFRA gene, results from a G to A substitution at nucleotide position 2692. The glycine at codon 898 is replaced by serine, an amino acid with similar properties. This amino acid position is well conserved in available vertebrate species. In addition, this alteration is predicted to be deleterious by in silico analysis. Based on the available evidence, the clinical significance of this variant remains unclear.

Baylor Genetics
Classification: Uncertain significance for Polyps, multiple and recurrent inflammatory fibroid, gastrointestinal. Last evaluated: 2023-10-10. Review status: criteria provided, single submitter. Criteria: ACMG Guidelines, 2015. Collection method: clinical testing. Allele origin: unknown.

NM_006206.6(PDGFRA):c.2692G>A (p.Gly898Ser)

Gene: PDGFRA (platelet derived growth factor receptor alpha; plus strand). Cytogenetic location: 4q12.
Variant type: single nucleotide variant.
Coding change: c.2692G>A on transcript NM_006206.6 (MANE Select); coding-DNA position 2692, G replaced by A.
Protein change: p.Gly898Ser; replaces glycine 898 with serine.
Molecular consequence: missense variant.
Genome position (GRCh38, 1-based): chr4:54,288,816, G>A. VCF-style: chr4-54288816-G-A. GRCh37 (hg19) VCF-style: chr4-55154983-G-A.
Other names: c.2767G>A, p.Gly923Ser (NM_001347828.2); c.2692G>A, p.Gly898Ser (NM_001347829.2); c.2731G>A, p.Gly911Ser (NM_001347830.2); short protein forms G898S, G911S, G923S.
Identifiers: ClinVar variation 657185 (VCV000657185.12), dbSNP rs1185214354, ClinGen allele CA356895431.